The following is an entry in ClinVar:

ClinVar aggregate classification (germline): Uncertain significance. Review status: criteria provided, multiple submitters, no conflicts (2 of 4 stars). 3 submissions from 3 submitters: Uncertain significance (3). Last evaluated 2025-05-22.

Conditions:
Hereditary cancer-predisposing syndrome. Also called: Tumor predisposition; Neoplastic Syndromes, Hereditary; Hereditary neoplastic syndrome; Hereditary Cancer Syndrome. Identifiers: Orphanet 140162, MedGen C0027672, MeSH D009386, MONDO:0015356.
Gastrointestinal stromal tumor. Also called: Gastrointestinal stromal tumor, somatic; Gastrointestinal stroma tumor. Identifiers: Orphanet 44890, MedGen C0238198, MeSH D046152, MONDO:0011719, OMIM 606764, HP:0100723.

Submissions (3):

Ambry Genetics
Classification: Uncertain significance for Hereditary cancer-predisposing syndrome. Last evaluated: 2025-05-22. Review status: criteria provided, single submitter. Criteria: Ambry Variant Classification Scheme 2023. Collection method: clinical testing. Allele origin: germline.
Comment: The p.A533T variant (also known as c.1597G>A), located in coding exon 10 of the KIT gene, results from a G to A substitution at nucleotide position 1597. The alanine at codon 533 is replaced by threonine, an amino acid with similar properties. This amino acid position is conserved. In addition, the in silico prediction for this alteration is inconclusive. Since supporting evidence is limited at this time, the clinical significance of this alteration remains unclear.

Baylor Genetics
Classification: Uncertain significance for Gastrointestinal stromal tumor. Last evaluated: 2023-09-25. Review status: criteria provided, single submitter. Criteria: ACMG Guidelines, 2015. Collection method: clinical testing. Allele origin: unknown.

Labcorp Genetics (formerly Invitae), Labcorp
Classification: Uncertain significance for Gastrointestinal stromal tumor. Last evaluated: 2020-08-24. Review status: criteria provided, single submitter. Criteria: Invitae Variant Classification Sherloc (09022015). Collection method: clinical testing. Allele origin: germline.
Comment: This sequence change replaces alanine with threonine at codon 533 of the KIT protein (p.Ala533Thr). The alanine residue is highly conserved and there is a small physicochemical difference between alanine and threonine. This variant is not present in population databases (ExAC no frequency). This variant has not been reported in the literature in individuals with KIT-related conditions. Algorithms developed to predict the effect of missense changes on protein structure and function (SIFT, PolyPhen-2, Align-GVGD) all suggest that this variant is likely to be disruptive, but these predictions have not been confirmed by published functional studies and their clinical significance is uncertain. In summary, the available evidence is currently insufficient to determine the role of this variant in disease. Therefore, it has been classified as a Variant of Uncertain Significance.

NM_000222.3(KIT):c.1597G>A (p.Ala533Thr)

Gene: KIT (KIT proto-oncogene, receptor tyrosine kinase; plus strand). Cytogenetic location: 4q12.
Variant type: single nucleotide variant.
Coding change: c.1597G>A on transcript NM_000222.3 (MANE Select); coding-DNA position 1597, G replaced by A.
Protein change: p.Ala533Thr; replaces alanine 533 with threonine.
Molecular consequence: missense variant.
Genome position (GRCh38, 1-based): chr4:54,727,274, G>A. VCF-style: chr4-54727274-G-A. GRCh37 (hg19) VCF-style: chr4-55593440-G-A.
Other names: c.1588G>A, p.Ala530Thr (NM_001385292.1, NM_001385288.1); c.1597G>A (NM_000222.2); c.1585G>A, p.Ala529Thr (NM_001093772.2, NM_001385286.1); c.1600G>A, p.Ala534Thr (NM_001385284.1, NM_001385290.1); c.1597G>A, p.Ala533Thr (NM_001385285.1); short protein forms A529T, A530T, A533T, A534T.
Identifiers: ClinVar variation 1019650 (VCV001019650.19), dbSNP rs1722284528, ClinGen allele CA356907066.